The following is an entry in ClinVar:

ClinVar aggregate classification (germline): Uncertain significance (1 of 4 stars; one submission).

Submission:

Laboratory for Molecular Medicine, Mass General Brigham Personalized Medicine
Classification: Uncertain significance. Last evaluated: 2013-11-06. Review status: criteria provided, single submitter. Criteria: LMM Criteria. Collection method: clinical testing. Allele origin: germline. Observed: 1 variant allele.
Comment: The Lys1777fs variant in PCDH15 has not been previously identified in individual s with hearing loss or in large population studies. This indel variant affects o ne minor coding transcript of the PCDH15 gene by causing a frameshift beginning at position 1777 and resulting in a stop codon 44 amino acids downstream. Since the variant occurs 15 positions upstream of the normal stop codon in this minor transcript, it is predicted to create a longer protein than the normal protein. Alternatively, this variant occurs within the 3'UTR of the major coding transcr ipt of PCDH15 and its impact to the protein expressed by the major transcript is unknown. Therefore, the effect of this variant on either the minor or major PCD H15 transcripts cannot be determined without functional studies. In summary, add itional information is needed to fully assess the clinical significance of the L ys1777fs variant.

NM_001384140.1(PCDH15):c.4672-1607delinsAGT

Gene: PCDH15 (protocadherin related 15; minus strand). Cytogenetic location: 10q21.1.
Variant type: Indel.
Coding change: c.4672-1607delinsAGT on transcript NM_001384140.1 (MANE Select); 1607 bases into the intron before coding-DNA position 4672, G replaced by AGT.
Molecular consequence: intron variant. On other transcripts: frameshift variant (2), 3 prime UTR variant (1).
Genome position (GRCh38, 1-based): chr10:53,808,737, C replaced by ACT on the plus strand (G replaced by AGT on the coding strand, the reverse complement: PCDH15 is on the minus strand). VCF-style: chr10-53808737-C-ACT. GRCh37 (hg19) VCF-style: chr10-55568497-C-ACT.
Other names: c.5328delGinsAGT, p.Lys1777Valfs (NM_001142769.4); c.*743delinsAGT (NM_001142770.3); c.5307delinsAGT, p.Lys1770fs (NM_001354411.2); c.4477-1607delinsAGT (NM_001354420.2); c.4606-1607delinsAGT (NM_001354429.2); c.4483-1607delinsAGT (NM_001142772.2); c.4498-1607delinsAGT (NM_001142771.2); short protein forms K1770fs, K1777fs.
Identifiers: ClinVar variation 178960 (VCV000178960.5), dbSNP rs730880020, ClinGen allele CA183387.